The following is an entry in ClinVar:

ClinVar aggregate classification (germline): Uncertain significance (1 of 4 stars; one submission).

Conditions:
Cardiovascular phenotype. Identifiers: MedGen CN230736.

Allele frequency attached by ClinVar (database versions not stated): gnomAD exomes 0.00001.
gnomAD v4.1: 3 of 1,614,006 alleles (0.00019%); highest among the groups gnomAD compares: South Asian, 0.0033%; no homozygotes.

Submission:

Ambry Genetics
Classification: Uncertain significance for Cardiovascular phenotype. Last evaluated: 2026-09-07. Review status: criteria provided, single submitter. Criteria: Ambry Variant Classification Scheme 2023. Collection method: clinical testing. Allele origin: germline.
Comment: The p.L224V variant (also known as c.670C>G), located in coding exon 4 of the CBL gene, results from a C to G substitution at nucleotide position 670. The leucine at codon 224 is replaced by valine, an amino acid with highly similar properties. This amino acid position is conserved. In addition, this alteration is predicted to be deleterious by in silico analysis. Based on the available evidence, the clinical significance of this variant remains unclear.

NM_005188.4(CBL):c.670C>G (p.Leu224Val)

Gene: CBL (Cbl proto-oncogene; plus strand). Cytogenetic location: 11q23.3.
Variant type: single nucleotide variant.
Coding change: c.670C>G on transcript NM_005188.4 (MANE Select); coding-DNA position 670, C replaced by G.
Protein change: p.Leu224Val; replaces leucine 224 with valine.
Molecular consequence: missense variant.
Genome position (GRCh38, 1-based): chr11:119,273,947, C>G. VCF-style: chr11-119273947-C-G. GRCh37 (hg19) VCF-style: chr11-119144657-C-G.
Other names: short protein forms L224V.
Identifiers: ClinVar variation 3137959 (VCV003137959.2), dbSNP rs1044358721, ClinGen allele CA382909408.